The following is an entry in ClinVar:

ClinVar aggregate classification (germline): Uncertain significance (1 of 4 stars; one submission).

gnomAD v4.1: 1 of 1,599,726 alleles (0.000063%); highest among the groups gnomAD compares: Non-Finnish European, 0.000085%; no homozygotes.

Submission:

GeneDx
Classification: Uncertain significance. Last evaluated: 2019-10-02. Review status: criteria provided, single submitter. Criteria: GeneDx Variant Classification Process June 2021. Collection method: clinical testing. Allele origin: germline. Affected: yes.
Comment: Not observed in large population cohorts (Lek et al., 2016); In silico analysis, which includes protein predictors and evolutionary conservation, supports that this variant does not alter protein structure/function; Has not been previously published as pathogenic or benign to our knowledge

NM_139215.3(TAF15):c.1358G>T (p.Gly453Val)

Gene: TAF15 (TATA-box binding protein associated factor 15; plus strand). Cytogenetic location: 17q12.
Variant type: single nucleotide variant.
Coding change: c.1358G>T on transcript NM_139215.3 (MANE Select); coding-DNA position 1358, G replaced by T.
Protein change: p.Gly453Val; replaces glycine 453 with valine.
Molecular consequence: missense variant.
Genome position (GRCh38, 1-based): chr17:35,844,657, G>T. VCF-style: chr17-35844657-G-T. GRCh37 (hg19) VCF-style: chr17-34171661-G-T.
Other names: c.1349G>T, p.Gly450Val (NM_003487.4); short protein forms G450V, G453V.
Identifiers: ClinVar variation 1312437 (VCV001312437.2), dbSNP rs770549195, ClinGen allele CA399223827.